The following is an entry in ClinVar:

NM_052845.4(MMAB):c.*376T>A

Gene: MMAB (metabolism of cobalamin associated B; minus strand). Cytogenetic location: 12q24.11.
Variant type: single nucleotide variant.
Coding change: c.*376T>A on transcript NM_052845.4 (MANE Select); 376 bases downstream of the stop codon, T replaced by A.
Molecular consequence: 3 prime UTR variant. On other transcripts: non-coding transcript variant (1).
Genome position (GRCh38, 1-based): chr12:109,556,652, A>T on the plus strand (T>A on the coding strand, the complement: MMAB is on the minus strand). VCF-style: chr12-109556652-A-T. GRCh37 (hg19) VCF-style: chr12-109994457-A-T.
Identifiers: ClinVar variation 307072 (VCV000307072.6), dbSNP rs527861371, ClinGen allele CA6778698.

ClinVar aggregate classification (germline): Benign. Review status: criteria provided, multiple submitters, no conflicts (2 of 4 stars). 2 submissions from 2 submitters: Benign (2). Last evaluated 2018-01-12.

Conditions:
Methylmalonic aciduria, cblB type (MACB). Also called: Vitamin B12-responsive methylmalonic acidemia type cblB; METHYLMALONIC ACIDURIA, VITAMIN B12-RESPONSIVE, DUE TO DEFECT IN SYNTHESIS OF ADENOSYLCOBALAMIN, cblB TYPE; Methylmalonic acidemia cblB type. Identifiers: Orphanet 28, Orphanet 79311, MedGen C1855102, MONDO:0009614, OMIM 251110.

Allele frequency attached by ClinVar (database versions not stated): 1000 Genomes Project 0.14936; ExAC 0.02771; gnomAD 0.05729 and 0.05262; gnomAD exomes 0.05738.

Submissions (2):

Illumina Laboratory Services, Illumina
Classification: Benign for Methylmalonic aciduria, cblB type. Last evaluated: 2018-01-12. Review status: criteria provided, single submitter. Criteria: ICSL Variant Classification Criteria 13 December 2019. Collection method: clinical testing. Allele origin: germline.
Comment: This variant was observed in the ICSL laboratory as part of a predisposition screen in an ostensibly healthy population. It had not been previously curated by ICSL or reported in the Human Gene Mutation Database (HGMD: prior to June 1st, 2018), and was therefore a candidate for classification through an automated scoring system. Utilizing variant allele frequency, disease prevalence and penetrance estimates, and inheritance mode, an automated score was calculated to assess if this variant is too frequent to cause the disease. Based on the score and internal cut-off values, a variant classified as benign is not then subjected to further curation. The score for this variant resulted in a classification of benign for this disease.

Breakthrough Genomics
Classification: Benign. Review status: criteria provided, single submitter. Criteria: ACMG Guidelines, 2015. Collection method: not provided. Allele origin: germline. Inheritance: Autosomal recessive inheritance. Affected: yes.